The following is an entry in ClinVar:

ClinVar aggregate classification (germline): Uncertain significance (1 of 4 stars; one submission).

Allele frequency attached by ClinVar (database versions not stated): gnomAD exomes below 0.00001.
gnomAD v4.1: 1 of 1,608,018 alleles (0.000062%); highest among the groups gnomAD compares: Non-Finnish European, 0.000085%; no homozygotes.

Submission:

Labcorp Genetics (formerly Invitae), Labcorp
Classification: Uncertain significance. Last evaluated: 2023-08-10. Review status: criteria provided, single submitter. Criteria: Invitae Variant Classification Sherloc (09022015). Collection method: clinical testing. Allele origin: germline.
Comment: In summary, the available evidence is currently insufficient to determine the role of this variant in disease. Therefore, it has been classified as a Variant of Uncertain Significance. An algorithm developed to predict the effect of missense changes on protein structure and function (PolyPhen-2) suggests that this variant is likely to be disruptive. This variant has not been reported in the literature in individuals affected with RINT1-related conditions. This variant is not present in population databases (gnomAD no frequency). This sequence change replaces leucine, which is neutral and non-polar, with methionine, which is neutral and non-polar, at codon 783 of the RINT1 protein (p.Leu783Met).

NM_021930.6(RINT1):c.2347T>A (p.Leu783Met)

Genes: EFCAB10 (EF-hand calcium binding domain 10; minus strand), RINT1 (RAD50 interactor 1; plus strand). Cytogenetic location: 7q22.3.
Variant type: single nucleotide variant.
Coding change: c.2347T>A on transcript NM_021930.6 (MANE Select); coding-DNA position 2347, T replaced by A.
Protein change: p.Leu783Met; replaces leucine 783 with methionine.
Molecular consequence: missense variant. On other transcripts: 3 prime UTR variant (2), non-coding transcript variant (1), intron variant (3).
Genome position (GRCh38, 1-based): chr7:105,567,279, T>A. VCF-style: chr7-105567279-T-A. GRCh37 (hg19) VCF-style: chr7-105207726-T-A.
Other names: c.*175A>T (NM_001355527.2, NM_001355529.2); c.2113T>A, p.Leu705Met (NM_001346599.2); c.1324T>A, p.Leu442Met (NM_001346600.2, NM_001346603.2); c.1423T>A, p.Leu475Met (NM_001346601.2); c.360-1832A>T (NM_001355531.2); c.383+188A>T (NM_001355526.2, NM_001355530.2); short protein forms L475M, L783M, L442M, L705M.
Identifiers: ClinVar variation 2795223 (VCV002795223.3), dbSNP rs2485204134, ClinGen allele CA368815688.